The following is an entry in ClinVar:

ClinVar aggregate classification (germline): Uncertain significance (1 of 4 stars; one submission).

Conditions:
Nemaline myopathy 6 (NEM6). Also called: Nemaline myopathy 6, autosomal dominant. Identifiers: Orphanet 171439, MedGen C1836472, MONDO:0012237, OMIM 609273.

Submission:

Labcorp Genetics (formerly Invitae), Labcorp
Classification: Uncertain significance for Nemaline myopathy 6. Last evaluated: 2022-09-16. Review status: criteria provided, single submitter. Criteria: Invitae Variant Classification Sherloc (09022015). Collection method: clinical testing. Allele origin: germline.
Comment: This sequence change replaces glutamic acid, which is acidic and polar, with aspartic acid, which is acidic and polar, at codon 75 of the KBTBD13 protein (p.Glu75Asp). This variant is present in population databases (no rsID available, gnomAD 0.008%). This variant has not been reported in the literature in individuals affected with KBTBD13-related conditions. Algorithms developed to predict the effect of missense changes on protein structure and function output the following: SIFT: "Tolerated"; PolyPhen-2: "Benign"; Align-GVGD: "Class C0". The aspartic acid amino acid residue is found in multiple mammalian species, which suggests that this missense change does not adversely affect protein function. In summary, the available evidence is currently insufficient to determine the role of this variant in disease. Therefore, it has been classified as a Variant of Uncertain Significance.

NM_001101362.3(KBTBD13):c.225G>C (p.Glu75Asp)

Gene: KBTBD13 (kelch repeat and BTB domain containing 13; plus strand). Cytogenetic location: 15q22.31.
Variant type: single nucleotide variant.
Coding change: c.225G>C on transcript NM_001101362.3 (MANE Select); coding-DNA position 225, G replaced by C.
Protein change: p.Glu75Asp; replaces glutamic acid 75 with aspartic acid.
Molecular consequence: missense variant.
Genome position (GRCh38, 1-based): chr15:65,077,040, G>C. VCF-style: chr15-65077040-G-C. GRCh37 (hg19) VCF-style: chr15-65369378-G-C.
Other names: short protein forms E75D.
Identifiers: ClinVar variation 2057050 (VCV002057050.4), dbSNP rs1008356493, ClinGen allele CA271503091.